The following is an entry in ClinVar:

NM_031407.7(HUWE1):c.1243-8C>T

Gene: HUWE1 (HECT, UBA and WWE domain containing E3 ubiquitin protein ligase 1; minus strand). Cytogenetic location: Xp11.22.
Variant type: single nucleotide variant.
Coding change: c.1243-8C>T on transcript NM_031407.7 (MANE Select); 8 bases into the intron before coding-DNA position 1243, C replaced by T.
Molecular consequence: intron variant.
Genome position (GRCh38, 1-based): chrX:53,627,887, G>A on the plus strand (C>T on the coding strand, the complement: HUWE1 is on the minus strand). VCF-style: chrX-53627887-G-A. GRCh37 (hg19) VCF-style: chrX-53654838-G-A.
Identifiers: ClinVar variation 435483 (VCV000435483.12), dbSNP rs781931508, ClinGen allele CA10422947.

ClinVar aggregate classification (germline): Conflicting classifications of pathogenicity. Review status: criteria provided, conflicting classifications (1 of 4 stars). 4 submissions from 4 submitters: Uncertain significance (1); Likely benign (3). Last evaluated 2026-04-01.

Allele frequency attached by ClinVar (database versions not stated): gnomAD exomes 0.00001 and 0.00002; ExAC 0.00002.
gnomAD v4.1: 10 of 1,205,854 alleles (0.00083%); highest among the groups gnomAD compares: African/African-American, 0.0017%; no homozygotes.

Submissions (4):

CeGaT Center for Human Genetics Tuebingen
Classification: Likely benign. Last evaluated: 2026-04-01. Review status: criteria provided, single submitter. Criteria: CeGaT Center For Human Genetics Tuebingen Variant Classification Criteria Version 2. Collection method: clinical testing. Allele origin: germline. Affected: yes. Observed: 1 variant allele.
Comment: HUWE1: BP4, BS2

Labcorp Genetics (formerly Invitae), Labcorp
Classification: Likely benign. Last evaluated: 2023-10-05. Review status: criteria provided, single submitter. Criteria: Invitae Variant Classification Sherloc (09022015). Collection method: clinical testing. Allele origin: germline.

Blueprint Genetics
Classification: Likely benign. Last evaluated: 2023-03-06. Review status: criteria provided, single submitter. Criteria: ACMG Guidelines, 2015. Collection method: clinical testing. Allele origin: germline.

Genetic Services Laboratory, University of Chicago
Classification: Uncertain significance. Last evaluated: 2015-09-30. Review status: criteria provided, single submitter. Criteria: ACMG Guidelines, 2015. Collection method: clinical testing. Allele origin: germline. Affected: no.